The following is an entry in ClinVar:

NM_138694.4(PKHD1):c.3368G>A (p.Gly1123Asp)

Gene: PKHD1 (PKHD1 ciliary IPT domain containing fibrocystin/polyductin; minus strand). Cytogenetic location: 6p12.2.
Variant type: single nucleotide variant.
Coding change: c.3368G>A on transcript NM_138694.4 (MANE Select); coding-DNA position 3368, G replaced by A.
Protein change: p.Gly1123Asp; replaces glycine 1123 with aspartic acid.
Molecular consequence: missense variant.
Genome position (GRCh38, 1-based): chr6:52,028,348, C>T on the plus strand (G>A on the coding strand, the complement: PKHD1 is on the minus strand). VCF-style: chr6-52028348-C-T. GRCh37 (hg19) VCF-style: chr6-51893146-C-T.
Other names: c.3368G>A, p.Gly1123Asp (NM_170724.3); short protein forms G1123D.
Identifiers: ClinVar variation 1217264 (VCV001217264.4), dbSNP rs148356158, ClinGen allele CA3852961.

ClinVar aggregate classification (germline): Uncertain significance. Review status: criteria provided, multiple submitters, no conflicts (2 of 4 stars). 4 submissions from 4 submitters: Uncertain significance (2). 2 of the submissions do not count toward it. Last evaluated 2024-05-10.

Conditions:
PKHD1-related disorder. Also called: PKHD1-related condition.
Polycystic kidney disease 4 (PKD4). Also called: POLYCYSTIC KIDNEY DISEASE 4 WITH OR WITHOUT POLYCYSTIC LIVER DISEASE; POLYCYSTIC KIDNEY AND HEPATIC DISEASE 1; POLYCYSTIC KIDNEY DISEASE, INFANTILE, TYPE I; PKD3; Autosomal Recessive Polycystic Kidney Disease – PKHD1. Identifiers: MedGen C4540575, MONDO:0033004, OMIM 263200.
Autosomal recessive polycystic kidney disease (ARPKD). Also called: AR polycystic kidney disease. Identifiers: Orphanet 731, Orphanet 8378, MedGen C0085548, MeSH D017044, MONDO:0009889.

Allele frequency attached by ClinVar (database versions not stated): ExAC 0.00002; gnomAD 0.00003 and 0.00005; TOPMed 0.00003; gnomAD exomes 0.00004 and 0.00007; ESP Exome Variant Server 0.00008.
gnomAD v4.1: 112 of 1,613,176 alleles (0.0069%); highest among the groups gnomAD compares: Non-Finnish European, 0.0081%; no homozygotes.

Submissions (4):

Fulgent Genetics
Classification: Uncertain significance for Polycystic kidney disease 4. Last evaluated: 2024-05-10. Review status: criteria provided, single submitter. Criteria: ACMG Guidelines, 2015. Collection method: clinical testing. Allele origin: germline.

Women's Health and Genetics/Laboratory Corporation of America, LabCorp
Classification: Uncertain significance. Last evaluated: 2021-08-20. Review status: criteria provided, single submitter. Criteria: LabCorp Variant Classification Summary - May 2015. Collection method: clinical testing. Allele origin: germline.
Comment: Variant summary: PKHD1 c.3368G>A (p.Gly1123Asp) results in a non-conservative amino acid change located in the IPT domain (IPR002909) of the encoded protein sequence. Three of five in-silico tools predict a benign effect of the variant on protein function. The variant allele was found at a frequency of 3.6e-05 in 251350 control chromosomes (gnomAD). The available data on variant occurrences in the general population are insufficient to allow any conclusion about variant significance. To our knowledge, no occurrence of c.3368G>A in individuals affected with Polycystic Kidney And Hepatic Disease and no experimental evidence demonstrating its impact on protein function have been reported. One ClinVar submitter (evaluation after 2014) cites the variant as likely pathogenic. Based on the evidence outlined above, the variant was classified as uncertain significance.

PreventionGenetics, part of Exact Sciences
Classification: Uncertain significance for PKHD1-related condition. Last evaluated: 2024-09-23. Review status: no assertion criteria provided. Collection method: clinical testing. Allele origin: germline. Not counted in ClinVar's aggregate classification.
Comment: The PKHD1 c.3368G>A variant is predicted to result in the amino acid substitution p.Gly1123Asp. To our knowledge, this variant has not been reported in the literature. This variant is reported in 0.0070% of alleles in individuals of European (Non-Finnish) descent in gnomAD. An alternate missense change at the same amino acid position is a documented pathogenic variant (p.Gly1123Ser; Bergmann et al. 2005. PubMed ID: 15698423). At this time, the clinical significance of this variant is uncertain due to the absence of conclusive functional and genetic evidence.

Natera, Inc.
Classification: Uncertain significance for Autosomal recessive polycystic kidney disease. Last evaluated: 2019-07-10. Review status: no assertion criteria provided. Collection method: clinical testing. Allele origin: germline. Not counted in ClinVar's aggregate classification.